The following is an entry in ClinVar:

NM_002691.4(POLD1):c.1396G>A (p.Glu466Lys)

Gene: POLD1 (DNA polymerase delta 1, catalytic subunit; plus strand). Cytogenetic location: 19q13.33.
Variant type: single nucleotide variant.
Coding change: c.1396G>A on transcript NM_002691.4 (MANE Select); coding-DNA position 1396, G replaced by A.
Protein change: p.Glu466Lys; replaces glutamic acid 466 with lysine.
Molecular consequence: missense variant. On other transcripts: non-coding transcript variant (1).
Genome position (GRCh38, 1-based): chr19:50,406,419, G>A. VCF-style: chr19-50406419-G-A. GRCh37 (hg19) VCF-style: chr19-50909676-G-A.
Other names: c.1396G>A, p.Glu466Lys (NM_001256849.1, NM_001308632.1); short protein forms E466K.
Identifiers: ClinVar variation 2002809 (VCV002002809.4), dbSNP rs760166741, ClinGen allele CA9596136.

ClinVar aggregate classification (germline): Uncertain significance (1 of 4 stars; one submission).

Conditions:
POLD1-related polyposis and colorectal cancer syndrome (CRCS10). Also called: Colorectal cancer 10; COLORECTAL CANCER, SUSCEPTIBILITY TO, ON CHROMOSOME 19q; Colorectal cancer, susceptibility to, 10. Identifiers: Orphanet 220460, MedGen C2675481, MONDO:0012953, OMIM 612591.

Allele frequency attached by ClinVar (database versions not stated): gnomAD exomes below 0.00001; ExAC 0.00001.
gnomAD v4.1: 1 of 1,602,760 alleles (0.000062%); highest among the groups gnomAD compares: Non-Finnish European, 0.000085%; no homozygotes.

Submission:

Labcorp Genetics (formerly Invitae), Labcorp
Classification: Uncertain significance for POLD1-related polyposis and colorectal cancer syndrome. Last evaluated: 2022-06-08. Review status: criteria provided, single submitter. Criteria: Invitae Variant Classification Sherloc (09022015). Collection method: clinical testing. Allele origin: germline.
Comment: This variant has not been reported in the literature in individuals affected with POLD1-related conditions. This sequence change replaces glutamic acid, which is acidic and polar, with lysine, which is basic and polar, at codon 466 of the POLD1 protein (p.Glu466Lys). The frequency data for this variant in the population databases is considered unreliable, as metrics indicate poor data quality at this position in the gnomAD database. Algorithms developed to predict the effect of missense changes on protein structure and function are either unavailable or do not agree on the potential impact of this missense change (SIFT: "Deleterious"; PolyPhen-2: "Possibly Damaging"; Align-GVGD: "Class C0"). In summary, the available evidence is currently insufficient to determine the role of this variant in disease. Therefore, it has been classified as a Variant of Uncertain Significance.